The following is an entry in ClinVar:

ClinVar aggregate classification (germline): Conflicting classifications of pathogenicity. Review status: criteria provided, conflicting classifications (1 of 4 stars). 6 submissions from 6 submitters: Uncertain significance (4); Likely benign (2). Last evaluated 2026-03-02.

Conditions:
Hereditary cancer-predisposing syndrome. Also called: Neoplastic Syndromes, Hereditary; Hereditary neoplastic syndrome; Tumor predisposition; Hereditary Cancer Syndrome. Identifiers: Orphanet 140162, MedGen C0027672, MeSH D009386, MONDO:0015356.
Peutz-Jeghers syndrome (PJS). Also called: POLYPOSIS, HAMARTOMATOUS INTESTINAL; POLYPS-AND-SPOTS SYNDROME; Peutz-Jeghers polyposis; Periorificial lentiginosis syndrome. Identifiers: Orphanet 2869, MedGen C0031269, MeSH D010580, MONDO:0008280, OMIM 175200.

Allele frequency attached by ClinVar (database versions not stated): TOPMed below 0.00001; gnomAD exomes below 0.00001; gnomAD 0.00001.
gnomAD v4.1: 2 of 1,599,262 alleles (0.00013%); highest among the groups gnomAD compares: Non-Finnish European, 0.00017%; no homozygotes.

Submissions (6):

Ambry Genetics
Classification: Likely benign for Hereditary cancer-predisposing syndrome. Last evaluated: 2026-03-02. Review status: criteria provided, single submitter. Criteria: Ambry Variant Classification Scheme 2023. Collection method: clinical testing. Allele origin: germline.

Color Diagnostics, LLC DBA Color Health
Classification: Likely benign for Hereditary cancer-predisposing syndrome. Last evaluated: 2025-11-03. Review status: criteria provided, single submitter. Criteria: ACMG Guidelines, 2015. Collection method: clinical testing. Allele origin: germline.

Labcorp Genetics (formerly Invitae), Labcorp
Classification: Uncertain significance for Peutz-Jeghers syndrome. Last evaluated: 2023-07-12. Review status: criteria provided, single submitter. Criteria: Invitae Variant Classification Sherloc (09022015). Collection method: clinical testing. Allele origin: germline.
Comment: This sequence change falls in intron 3 of the STK11 gene. It does not directly change the encoded amino acid sequence of the STK11 protein. It affects a nucleotide within the consensus splice site. This variant is not present in population databases (gnomAD no frequency). This variant has not been reported in the literature in individuals affected with STK11-related conditions. ClinVar contains an entry for this variant (Variation ID: 141268). Variants that disrupt the consensus splice site are a relatively common cause of aberrant splicing (PMID: 17576681, 9536098). Algorithms developed to predict the effect of sequence changes on RNA splicing suggest that this variant is not likely to affect RNA splicing. In summary, the available evidence is currently insufficient to determine the role of this variant in disease. Therefore, it has been classified as a Variant of Uncertain Significance.

Laboratorio de Genetica e Diagnostico Molecular, Hospital Israelita Albert Einstein
Classification: Uncertain significance for Peutz-Jeghers syndrome. Last evaluated: 2022-08-02. Review status: criteria provided, single submitter. Criteria: ACMG Guidelines, 2015. Collection method: clinical testing. Allele origin: germline. Affected: yes.
Comment: ACMG classification criteria: PM2 moderated

Genome-Nilou Lab
Classification: Uncertain significance for Peutz-Jeghers syndrome. Last evaluated: 2021-07-15. Review status: criteria provided, single submitter. Criteria: ACMG Guidelines, 2015. Collection method: clinical testing. Allele origin: germline. Affected: no.

Mendelics
Classification: Uncertain significance for Peutz-Jeghers syndrome. Last evaluated: 2018-07-02. Review status: criteria provided, single submitter. Criteria: Mendelics Assertion Criteria 2017. Collection method: clinical testing. Allele origin: unknown.

Literature cited by the submitters: PubMed 35264596 (cited by Ambry Genetics); PubMed 17576681 (cited by Labcorp Genetics (formerly Invitae), Labcorp); PubMed 9536098 (cited by Labcorp Genetics (formerly Invitae), Labcorp).

NM_000455.5(STK11):c.465-3C>T

Gene: STK11 (serine/threonine kinase 11; plus strand). Cytogenetic location: 19p13.3.
Variant type: single nucleotide variant.
Coding change: c.465-3C>T on transcript NM_000455.5 (MANE Select); 3 bases into the intron before coding-DNA position 465, C replaced by T.
Molecular consequence: intron variant.
Genome position (GRCh38, 1-based): chr19:1,220,370, C>T. VCF-style: chr19-1220370-C-T. GRCh37 (hg19) VCF-style: chr19-1220369-C-T.
Identifiers: ClinVar variation 141268 (VCV000141268.17), dbSNP rs587781619, ClinGen allele CA023029.
Genomic context (GRCh38, chr19:1,220,370, plus strand): 5'-AAAGGGGACCCCTGTGAGGGGCAGGGAGGCCTCGGCCCCAGGACGGGTGTGTGCTGCCCG[C>T]AGGTACTTCTGTCAGCTGATTGACGGCCTGGAGTACCTGCATAGCCAGGGCATTGTGCAC-3'